The following is an entry in ClinVar:

ClinVar aggregate classification (germline): Likely benign (0 of 4 stars; one submission).

Conditions:
SNX27-related disorder. Also called: SNX27-related condition.

Submission:

PreventionGenetics, part of Exact Sciences
Classification: Likely benign for SNX27-related condition. Last evaluated: 2020-12-09. Review status: no assertion criteria provided. Collection method: clinical testing. Allele origin: germline.
Comment: This variant is classified as likely benign based on ACMG/AMP sequence variant interpretation guidelines (Richards et al. 2015 PMID: 25741868, with internal and published modifications).

NM_001330723.2(SNX27):c.1240-10_1240-3dup

Gene: SNX27 (sorting nexin 27; plus strand). Cytogenetic location: 1q21.3.
Variant type: Duplication.
Coding change: c.1240-10_1240-3dup on transcript NM_001330723.2 (MANE Select); 10 bases into the intron before coding-DNA position 1240 through 3 bases into the intron before coding-DNA position 1240, 8 bases duplicated (TTTTTTTT; older notation c.1240-10_1240-3dupTTTTTTTT).
Molecular consequence: intron variant.
Genome position (GRCh38, 1-based): chr1:151,692,425-151,692,432, TTTTTTTT duplicated; duplicating any 8 consecutive bases within chr1:151,692,407-151,692,432 gives the same sequence; the c. name uses the placement nearest the transcript's 3' end. VCF-style (leftmost placement, unchanged base first): chr1-151692406-C-CTTTTTTTT. GRCh37 (hg19) VCF-style: chr1-151664882-C-CTTTTTTTT.
Other names: c.1240-10_1240-3dup (NM_030918.6).
Identifiers: ClinVar variation 3058829 (VCV003058829.2), dbSNP rs61159507, ClinGen allele CA1007715441.